The following is an entry in ClinVar:

NM_001039958.2(MESP2):c.401_411dup (p.Val138fs)

Genes: MESP2 (mesoderm posterior bHLH transcription factor 2; plus strand), LOC130057891 (ATAC-STARR-seq lymphoblastoid silent region 6806; plus strand). Cytogenetic location: 15q26.1.
Variant type: Duplication.
Coding change: c.401_411dup on transcript NM_001039958.2 (MANE Select); coding-DNA positions 401 to 411, 11 bases duplicated (ACCTATCGGCC).
Protein change: p.Val138fs; shifts the reading frame from valine 138.
Molecular consequence: frameshift variant.
Genome position (GRCh38, 1-based): chr15:89,776,758-89,776,768, ACCTATCGGCC duplicated; duplicating any 11 consecutive bases within chr15:89,776,751-89,776,768 gives the same sequence; the c. name uses the placement nearest the transcript's 3' end. VCF-style (leftmost placement, unchanged base first): chr15-89776750-C-CATCGGCCACCT. GRCh37 (hg19) VCF-style: chr15-90319981-C-CATCGGCCACCT.
Other names: c.401_411dup11 (NM_001039958.2); short protein forms V138fs.
Identifiers: ClinVar variation 1677202 (VCV001677202.5), dbSNP rs1218757887, ClinGen allele CA619858931.

ClinVar aggregate classification (germline): Conflicting classifications of pathogenicity. Review status: criteria provided, conflicting classifications (1 of 4 stars). 2 submissions from 2 submitters: Pathogenic (1); Uncertain significance (1). Last evaluated 2025-07-11.

Submissions (2):

Women's Health and Genetics/Laboratory Corporation of America, LabCorp
Classification: Uncertain significance. Last evaluated: 2025-07-11. Review status: criteria provided, single submitter. Criteria: LabCorp Variant Classification Summary - May 2015. Collection method: clinical testing. Allele origin: germline.
Comment: Variant summary: MESP2 c.401_411dup11 (p.Val138ThrfsX347) causes a frameshift which results in an extension of the protein. The variant was absent in 166732 control chromosomes. The available data on variant occurrences in the general population are insufficient to allow any conclusion about variant significance. To our knowledge, no occurrence of c.401_411dup11 in individuals affected with Spondylocostal Dysostosis 2 and no experimental evidence demonstrating its impact on protein function have been reported. ClinVar contains an entry for this variant (Variation ID: 1677202). Based on the evidence outlined above, the variant was classified as uncertain significance.

Labcorp Genetics (formerly Invitae), Labcorp
Classification: Pathogenic. Last evaluated: 2023-07-09. Review status: criteria provided, single submitter. Criteria: Invitae Variant Classification Sherloc (09022015). Collection method: clinical testing. Allele origin: germline.
Comment: This variant has not been reported in the literature in individuals affected with MESP2-related conditions. This variant is not present in population databases (gnomAD no frequency). This sequence change results in a frameshift in the MESP2 gene (p.Val138Thrfs*347). While this is not anticipated to result in nonsense mediated decay, it is expected to disrupt the last 260 amino acid(s) of the MESP2 protein and extend the protein by 86 additional amino acid residues. ClinVar contains an entry for this variant (Variation ID: 1677202). For these reasons, this variant has been classified as Pathogenic. This variant disrupts a region of the MESP2 protein in which other variant(s) (p.Gly169Profs*199) have been determined to be pathogenic (PMID: 15122512, 18485326). This suggests that this is a clinically significant region of the protein, and that variants that disrupt it are likely to be disease-causing. Experimental studies and prediction algorithms are not available or were not evaluated, and the functional significance of this variant is currently unknown.

Literature cited by the submitters: PubMed 15122512 (cited by Labcorp Genetics (formerly Invitae), Labcorp); PubMed 18485326 (cited by Labcorp Genetics (formerly Invitae), Labcorp).